The following is an entry in ClinVar:

NM_138477.4(CDAN1):c.2173C>T (p.Arg725Trp)

Gene: CDAN1 (codanin 1; minus strand). Cytogenetic location: 15q15.2.
Variant type: single nucleotide variant.
Coding change: c.2173C>T on transcript NM_138477.4 (MANE Select); coding-DNA position 2173, C replaced by T.
Protein change: p.Arg725Trp; replaces arginine 725 with tryptophan.
Molecular consequence: missense variant.
Genome position (GRCh38, 1-based): chr15:42,730,599, G>A on the plus strand (C>T on the coding strand, the complement: CDAN1 is on the minus strand). VCF-style: chr15-42730599-G-A. GRCh37 (hg19) VCF-style: chr15-43022797-G-A.
Other names: c.2173C>T, p.Arg725Trp (LRG_1164t1); short protein forms R725W.
Identifiers: ClinVar variation 632233 (VCV000632233.15), dbSNP rs138334226, ClinGen allele CA7515807.

ClinVar aggregate classification (germline): Conflicting classifications of pathogenicity. Review status: criteria provided, conflicting classifications (1 of 4 stars). 8 submissions from 8 submitters: Pathogenic (3); Likely pathogenic (4); Uncertain significance (1). Last evaluated 2026-09-21.

Conditions:
CDAN1-related disorder. Also called: CDAN1-related condition.
Congenital dyserythropoietic anemia, type I. Also called: Dyserythropoietic anemia, congenital type 1. Identifiers: Orphanet 98869, MedGen C0271933, MONDO:0020337. Disease mechanism: loss of function.
Anemia, congenital dyserythropoietic, type 1a (CDAN1A). Also called: DYSERYTHROPOIETIC ANEMIA, CONGENITAL, TYPE Ia; CDAN1-Related Congenital Dyserythropoietic Anemia. Identifiers: MedGen C5574667, MONDO:0009135, OMIM 224120.

Allele frequency attached by ClinVar (database versions not stated): ExAC 0.00003; TOPMed 0.00005; ESP Exome Variant Server 0.00015.
gnomAD v4.1: 145 of 1,613,950 alleles (0.009%); highest among the groups gnomAD compares: Non-Finnish European, 0.011%; no homozygotes.

Submissions (8):

PreventionGenetics, part of Exact Sciences
Classification: Pathogenic for CDAN1-related condition. Last evaluated: 2026-09-21. Review status: criteria provided, single submitter. Criteria: ACMG Guidelines, 2015. Collection method: clinical testing. Allele origin: germline.
Comment: The CDAN1 c.2173C>T variant is predicted to result in the amino acid substitution p.Arg725Trp. This variant has been reported in the compound heterozygous state in individuals with congenital dyserythropoietic anemia, type I (Ahmed et al. 2006. PubMed ID: 16754775; Heimpel et al. 2006. PubMed ID: 16141353; Supplementary Table S1, Muramatsu et al. 2017. PubMed ID: 28102861; Moreno-Carralero et al. 2018. PubMed ID: 29901818). Of note, in literature this variant is also referred to as c.2287C>T (p.Arg724Trp). This variant is reported in 0.013% of alleles in individuals of European (Non-Finnish) descent in gnomAD. In summary, we interpret this variant as pathogenic.

OLLIN Analises Genomicas, OLLIN
Classification: Likely pathogenic for Anemia, congenital dyserythropoietic, type 1a. Last evaluated: 2026-08-06. Review status: criteria provided, single submitter. Criteria: ACMG Guidelines 2015 PMID 25741868. Collection method: clinical testing. Allele origin: germline.
Comment: This missense variant, located in exon 14 (of 28), has been reported in ClinVar (accession VCV000632233.13), in gnomAD with an allele frequency of 0.009%, and in the scientific literature, segregating with the phenotype and in compound heterozygosity, in individuals with CDAN1 related disorders (PMID: 16141353, 16754775, 28102861, 29901818, 33401150). In silico analysis is inconclusive regarding the impact of this variant. This gene is constrained for missense variation (PMID: 16141353, 16754775, 28102861, 29901818, 33401150). According to the currently available evidence, this variant has been classified as likely pathogenic (PM2_P, PP1, PP2, PM3).

Labcorp Genetics (formerly Invitae), Labcorp
Classification: Pathogenic. Last evaluated: 2025-12-01. Review status: criteria provided, single submitter. Criteria: Invitae Variant Classification Sherloc (09022015). Collection method: clinical testing. Allele origin: germline.
Comment: This sequence change replaces arginine, which is basic and polar, with tryptophan, which is neutral and slightly polar, at codon 725 of the CDAN1 protein (p.Arg725Trp). This variant is present in population databases (rs138334226, gnomAD 0.01%). This missense change has been observed in individuals with congenital dyserythropoietic anemia (PMID: 16141353, 16754775, 28102861, 29901818, 33401150). It has also been observed to segregate with disease in related individuals. This variant is also known as R724W. ClinVar contains an entry for this variant (Variation ID: 632233). An algorithm developed to predict the effect of missense changes on protein structure and function (PolyPhen-2) suggests that this variant is likely to be disruptive. For these reasons, this variant has been classified as Pathogenic.

First Genomix Gene Laboratory, Genetic Diagnostics Department
Classification: Likely pathogenic for Anemia, congenital dyserythropoietic, type 1a. Last evaluated: 2025-08-01. Review status: criteria provided, single submitter. Criteria: ACMG Guidelines, 2015. Collection method: clinical testing. Allele origin: germline. Inheritance: Autosomal recessive inheritance. Affected: no. Observed: 1 variant allele.

GeneDx
Classification: Uncertain significance. Last evaluated: 2025-03-11. Review status: criteria provided, single submitter. Criteria: GeneDx Variant Classification Process June 2021. Collection method: clinical testing. Allele origin: germline. Affected: yes.
Comment: Also reported as Arg724Trp using alternate nomenclature (PMID: 16141353); In silico analysis supports that this missense variant has a deleterious effect on protein structure/function; This variant is associated with the following publications: (PMID: 33401150, 29901818, 28102861, 38666530, 16141353)

Dasa
Classification: Pathogenic. Last evaluated: 2025-02-18. Review status: criteria provided, single submitter. Criteria: DASA Assertion Criteria. Collection method: clinical testing. Allele origin: germline.
Comment: NM_138477.4(CDAN1):c.2173C>T (p.Arg725Trp) is a missense variant that results in the substitution of arginine with tryptophan. This variant has been recurrently observed in individuals with CDAN1-related disorders (PMID: 33401150; PMID: 29901818; PMID: 28102861). Also, this variant is rare in population databases. Computational evidence supports a deleterious effect. Based on the currently available evidence, this variant is classified as pathogenic.

Revvity Omics, Revvity
Classification: Likely pathogenic for Anemia, congenital dyserythropoietic, type 1a. Last evaluated: 2024-10-15. Review status: criteria provided, single submitter. Criteria: ACMG Guidelines, 2015. Collection method: clinical testing. Allele origin: germline.

Illumina Laboratory Services, Illumina
Classification: Likely pathogenic for Anemia, congenital dyserythropoietic, type 1a. Last evaluated: 2018-10-17. Review status: criteria provided, single submitter. Criteria: ICSL Variant Classification Criteria 09 May 2019. Collection method: clinical testing. Allele origin: germline.
Comment: The CDAN1 c.2173C>T (p.Asp725Trp) variant is a missense variant has been reported in at least three studies, in which it is found in a compound heterozygous state in a total of five individuals including two siblings, all diagnosed with congenital dyserythropoietic. This variant has also been reported as p.Asp724Trp (Heimpel et al. 2006; Ahmed et al. 2006; Moreno-Carralero et al. 2018). The p.Asp725Trp variant was absent from 58 controls, but is reported at a frequency of 0.000099 in the European (non-Finnish) population of the Genome Aggregation Database. Based on the evidence, the p.Asp725Trp variant is classified as likely pathogenic for congenital dyserythropoietic anemia. This variant was observed by ICSL as part of a predisposition screen in an ostensibly healthy population.

Literature cited by the submitters: PubMed 16141353 (cited by 3 submitters); PubMed 16754775 (cited by 3 submitters); PubMed 28102861 (cited by 3 submitters); PubMed 29901818 (cited by 4 submitters); PubMed 33401150 (cited by 3 submitters).